The following is an entry in ClinVar:

NM_000051.4(ATM):c.331+4A>G

Gene: ATM (ATM serine/threonine kinase; plus strand). Cytogenetic location: 11q22.3.
Variant type: single nucleotide variant.
Coding change: c.331+4A>G on transcript NM_000051.4 (MANE Select); 4 bases into the intron after coding-DNA position 331, A replaced by G.
Molecular consequence: intron variant. On other transcripts: missense variant (2).
Genome position (GRCh38, 1-based): chr11:108,229,327, A>G. VCF-style: chr11-108229327-A-G. GRCh37 (hg19) VCF-style: chr11-108100054-A-G.
Other names: c.335A>G, p.Lys112Arg (NM_001351835.2, NM_001351836.2); c.331+4A>G (NM_001351834.2); short protein forms K112R.
Identifiers: ClinVar variation 2076017 (VCV002076017.1), dbSNP rs2135038868, ClinGen allele CA382521858.

ClinVar aggregate classification (germline): Uncertain significance (1 of 4 stars; one submission).

Conditions:
Ataxia-telangiectasia syndrome (AT). Also called: Cerebello-oculocutaneous telangiectasia; Immunodeficiency with ataxia telangiectasia; AT, COMPLEMENTATION GROUP C; Ataxia-telangiectasia; Ataxia-telangiectasia, complementation group E; Ataxia telangiectasia (A-T). Identifiers: Orphanet 100, MedGen C0004135, MONDO:0008840, OMIM 208900.

Submission:

Labcorp Genetics (formerly Invitae), Labcorp
Classification: Uncertain significance for Ataxia-telangiectasia syndrome. Last evaluated: 2022-01-17. Review status: criteria provided, single submitter. Criteria: Invitae Variant Classification Sherloc (09022015). Collection method: clinical testing. Allele origin: germline.
Comment: This sequence change falls in intron 4 of the ATM gene. It does not directly change the encoded amino acid sequence of the ATM protein. It affects a nucleotide within the consensus splice site. This variant is not present in population databases (gnomAD no frequency). This variant has not been reported in the literature in individuals affected with ATM-related conditions. Variants that disrupt the consensus splice site are a relatively common cause of aberrant splicing (PMID: 17576681, 9536098). Algorithms developed to predict the effect of sequence changes on RNA splicing suggest that this variant may disrupt the consensus splice site. In summary, the available evidence is currently insufficient to determine the role of this variant in disease. Therefore, it has been classified as a Variant of Uncertain Significance.

Literature cited by the submitters: PubMed 17576681; PubMed 9536098.